The following is an entry in ClinVar:

ClinVar aggregate classification (germline): Uncertain significance (1 of 4 stars; one submission).

Conditions:
Cardiovascular phenotype. Identifiers: MedGen CN230736.

Submission:

Ambry Genetics
Classification: Uncertain significance for Cardiovascular phenotype. Last evaluated: 2021-06-16. Review status: criteria provided, single submitter. Criteria: Ambry Variant Classification Scheme 2023. Collection method: clinical testing. Allele origin: germline.
Comment: The p.S499C variant (also known as c.1496C>G), located in coding exon 13 of the RAF1 gene, results from a C to G substitution at nucleotide position 1496. The serine at codon 499 is replaced by cysteine, an amino acid with dissimilar properties. This amino acid position is highly conserved in available vertebrate species. In addition, this alteration is predicted to be deleterious by in silico analysis. Since supporting evidence is limited at this time, the clinical significance of this alteration remains unclear.

NM_002880.4(RAF1):c.1496C>G (p.Ser499Cys)

Gene: RAF1 (Raf-1 proto-oncogene, serine/threonine kinase; minus strand). Cytogenetic location: 3p25.2.
Variant type: single nucleotide variant.
Coding change: c.1496C>G on transcript NM_002880.4 (MANE Select); coding-DNA position 1496, C replaced by G.
Protein change: p.Ser499Cys; replaces serine 499 with cysteine.
Molecular consequence: missense variant. On other transcripts: non-coding transcript variant (3).
Genome position (GRCh38, 1-based): chr3:12,585,721, G>C on the plus strand (C>G on the coding strand, the complement: RAF1 is on the minus strand). VCF-style: chr3-12585721-G-C. GRCh37 (hg19) VCF-style: chr3-12627220-G-C.
Other names: c.1556C>G, p.Ser519Cys (NM_001354689.3); c.1496C>G, p.Ser499Cys (NM_001354690.3); c.1253C>G, p.Ser418Cys (NM_001354691.3, NM_001354692.3); c.1397C>G, p.Ser466Cys (NM_001354693.3); c.1313C>G, p.Ser438Cys (NM_001354694.3); c.1154C>G, p.Ser385Cys (NM_001354695.3); short protein forms S385C, S418C, S438C, S466C, S499C, S519C.
Identifiers: ClinVar variation 1773891 (VCV001773891.2), dbSNP rs2125325853, ClinGen allele CA351499005.